The following is an entry in ClinVar:

NM_003873.7(NRP1):c.1263A>C (p.Val421=)

Gene: NRP1 (neuropilin 1; minus strand). Cytogenetic location: 10p11.22.
Variant type: single nucleotide variant.
Coding change: c.1263A>C on transcript NM_003873.7 (MANE Select); coding-DNA position 1263, A replaced by C.
Protein change: p.Val421=; no amino-acid change (valine 421 retained).
Molecular consequence: synonymous variant. On other transcripts: non-coding transcript variant (1).
Genome position (GRCh38, 1-based): chr10:33,221,738, T>G on the plus strand (A>C on the coding strand, the complement: NRP1 is on the minus strand). VCF-style: chr10-33221738-T-G. GRCh37 (hg19) VCF-style: chr10-33510666-T-G.
Other names: c.1263A>C, p.Val421= (NM_001024628.3, NM_001024629.3, NM_001244972.2 and 2 more transcripts).
Identifiers: ClinVar variation 3357122 (VCV003357122.1).
Genomic context (GRCh38, chr10:33,221,738, plus strand): 5'-TTCGACTTGGAAGATTCAGTCTTCAATCTTCCACAGCTTACCTGTTATCTTGCAACCGTA[T>G]ACTTCAAATCTCATAGATATGCCAGTTTCCCAAGTTGCAGGCTTGATTCGGACAAATCGA-3'
Protein context (NP_003864.5, residues 411-431): WETGISMRFE[Val421=]YGCKITDYPC

ClinVar aggregate classification (germline): Likely benign (0 of 4 stars; one submission).

Conditions:
NRP1-related disorder. Also called: NRP1-related condition.

gnomAD v4.1: 11 of 1,613,918 alleles (0.00068%); highest among the groups gnomAD compares: Admixed American, 0.012%; no homozygotes.

Submission:

PreventionGenetics, part of Exact Sciences
Classification: Likely benign for NRP1-related condition. Last evaluated: 2022-04-19. Review status: no assertion criteria provided. Collection method: clinical testing. Allele origin: germline.
Comment: This variant is classified as likely benign based on ACMG/AMP sequence variant interpretation guidelines (Richards et al. 2015 PMID: 25741868, with internal and published modifications).